The following is an entry in ClinVar:

ClinVar aggregate classification (germline): Uncertain significance (1 of 4 stars; one submission).

Submission:

Labcorp Genetics (formerly Invitae), Labcorp
Classification: Uncertain significance. Last evaluated: 2024-02-29. Review status: criteria provided, single submitter. Criteria: Invitae Variant Classification Sherloc (09022015). Collection method: clinical testing. Allele origin: germline.
Comment: This sequence change replaces proline, which is neutral and non-polar, with alanine, which is neutral and non-polar, at codon 934 of the ERCC6L2 protein (p.Pro934Ala). This variant is not present in population databases (gnomAD no frequency). This variant has not been reported in the literature in individuals affected with ERCC6L2-related conditions. Experimental studies and prediction algorithms are not available or were not evaluated, and the functional significance of this variant is currently unknown. In summary, the available evidence is currently insufficient to determine the role of this variant in disease. Therefore, it has been classified as a Variant of Uncertain Significance.

NM_020207.7(ERCC6L2):c.2767C>G (p.Pro923Ala)

Gene: ERCC6L2 (ERCC excision repair 6 like 2; plus strand). Cytogenetic location: 9q22.32.
Variant type: single nucleotide variant.
Coding change: c.2767C>G on transcript NM_020207.7 (MANE Select); coding-DNA position 2767, C replaced by G.
Protein change: p.Pro923Ala; replaces proline 923 with alanine.
Molecular consequence: missense variant. On other transcripts: non-coding transcript variant (1).
Genome position (GRCh38, 1-based): chr9:95,972,518, C>G. VCF-style: chr9-95972518-C-G. GRCh37 (hg19) VCF-style: chr9-98734800-C-G.
Other names: c.2767C>G, p.Pro923Ala (NM_001375291.1, NM_001375292.1, NM_001375293.1 and 1 more transcripts); short protein forms P923A.
Identifiers: ClinVar variation 3687215 (VCV003687215.2).